The following is an entry in ClinVar:

ClinVar aggregate classification (germline): Pathogenic. Review status: reviewed by expert panel (3 of 4 stars). 5 submissions from 5 submitters: Pathogenic (1). 4 of the submissions do not count toward it. Last evaluated 2024-01-24.

Conditions:
ATM-related cancer predisposition. Also called: ATM-related cancer susceptibility. Identifiers: MedGen CN377759, MONDO:0700270.
Hereditary cancer-predisposing syndrome. Also called: Neoplastic Syndromes, Hereditary; Hereditary neoplastic syndrome; Tumor predisposition; Hereditary Cancer Syndrome. Identifiers: Orphanet 140162, MedGen C0027672, MeSH D009386, MONDO:0015356.
Familial cancer of breast. Also called: BREAST CANCER, FAMILIAL; Hereditary breast cancer; hereditary breast carcinoma. Identifiers: Orphanet 227535, MedGen C0346153, MONDO:0016419, OMIM 114480. Disease mechanism: loss of function.
Ataxia-telangiectasia syndrome (AT). Also called: Cerebello-oculocutaneous telangiectasia; Immunodeficiency with ataxia telangiectasia; Ataxia telangiectasia (A-T); Ataxia-telangiectasia, complementation group D; AT, COMPLEMENTATION GROUP C; ATAXIA-TELANGIECTASIA, COMPLEMENTATION GROUP A. Identifiers: Orphanet 100, MedGen C0004135, MONDO:0008840, OMIM 208900.

Submissions (5):

ClinGen Hereditary Breast, Ovarian and Pancreatic Cancer Variant Curation Expert Panel, ClinGen
Classification: Pathogenic for ATM-related cancer predisposition. Last evaluated: 2024-01-24. Review status: reviewed by expert panel. Criteria: ClinGen HBOP ACMG Specifications ATM V1.2.0. Collection method: curation. Allele origin: germline. Inheritance: Autosomal dominant inheritance.
Comment: The c.3102T>G (p.Tyr1034Ter) variant in ATM is a nonsense variant predicted to cause a premature stop codon in a biologically-relevant-exon leading to nonsense mediated decay in a gene in which loss-of-function is an established disease mechanism. This alteration results in a termination codon upstream of the most C-terminal pathogenic alteration (ATM p.Arg3047*), as classified by the HBOP VCEP, and is expected to be more deleterious. This variant is absent from gnomAD v.2.1.1. This variant has been detected in at least 4 individuals with Ataxia-Telangiectasia (PMID: 26896183, 18321536, 33547824). In summary, this variant meets criteria to be classified as pathogenic for autosomal dominant hereditary breast cancer and autosomal recessive Ataxia-Telangiectasia based on the ACMG/AMP criteria applied, as specified by the HBOP VCEP. (PVS1, PM3_strong, PM2_supporting , PM5_supporting)

Ambry Genetics
Classification: Pathogenic for Hereditary cancer-predisposing syndrome. Last evaluated: 2025-06-11. Review status: criteria provided, single submitter. Criteria: Ambry Variant Classification Scheme 2023. Collection method: clinical testing. Allele origin: germline. Not counted in ClinVar's aggregate classification.
Comment: The p.Y1034* pathogenic mutation (also known as c.3102T>G), located in coding exon 20 of the ATM gene, results from a T to G substitution at nucleotide position 3102. This changes the amino acid from a tyrosine to a stop codon within coding exon 20. This variant has been identified in the homozygous state and/or in conjunction with other ATM variant(s) in individual(s) who met clinical criteria for ataxia telangiectasia (Laake K et al. Hum Mutat, 2000 Sep;16:232-46; Du L et al. Mutat Res, 2008 Apr;640:139-44; Amirifar P et al. Pediatr Allergy Immunol, 2021 Aug;32:1316-1326). This variant is considered to be rare based on population cohorts in the Genome Aggregation Database (gnomAD). In addition to the clinical data presented in the literature, this alteration is expected to result in loss of function by premature protein truncation or nonsense-mediated mRNA decay. As such, this alteration is interpreted as a disease-causing mutation.

Myriad Genetics, Inc.
Classification: Pathogenic for Familial cancer of breast. Last evaluated: 2024-01-18. Review status: criteria provided, single submitter. Criteria: Myriad Autosomal Dominant, Autosomal Recessive and X-Linked Classification Criteria (2023). Collection method: clinical testing. Allele origin: unknown. Not counted in ClinVar's aggregate classification.
Comment: This variant is considered pathogenic. This variant creates a termination codon and is predicted to result in premature protein truncation.

Labcorp Genetics (formerly Invitae), Labcorp
Classification: Pathogenic for Ataxia-telangiectasia syndrome. Last evaluated: 2022-04-27. Review status: criteria provided, single submitter. Criteria: Invitae Variant Classification Sherloc (09022015). Collection method: clinical testing. Allele origin: germline. Not counted in ClinVar's aggregate classification.
Comment: This variant is not present in population databases (gnomAD no frequency). This sequence change creates a premature translational stop signal (p.Tyr1034*) in the ATM gene. It is expected to result in an absent or disrupted protein product. Loss-of-function variants in ATM are known to be pathogenic (PMID: 23807571, 25614872). This premature translational stop signal has been observed in individual(s) with clinical features of ataxia-telangiectasia (PMID: 10980530, 18321536, 33547824). ClinVar contains an entry for this variant (Variation ID: 556315). For these reasons, this variant has been classified as Pathogenic.

Counsyl
Classification: Likely pathogenic for Ataxia-telangiectasia syndrome. Last evaluated: 2018-01-24. Review status: no assertion criteria provided. Collection method: clinical testing. Allele origin: unknown. Not counted in ClinVar's aggregate classification.

Literature cited by the submitters: PubMed 10980530 (cited by Ambry Genetics and Labcorp Genetics (formerly Invitae), Labcorp); PubMed 18321536 (cited by 3 submitters); PubMed 33547824 (cited by Ambry Genetics and Labcorp Genetics (formerly Invitae), Labcorp); PubMed 23807571 (cited by Labcorp Genetics (formerly Invitae), Labcorp); PubMed 25614872 (cited by Labcorp Genetics (formerly Invitae), Labcorp); PubMed 23774824 (cited by Counsyl).

NM_000051.4(ATM):c.3102T>G (p.Tyr1034Ter)

Gene: ATM (ATM serine/threonine kinase; plus strand). Cytogenetic location: 11q22.3.
Variant type: single nucleotide variant.
Coding change: c.3102T>G on transcript NM_000051.4 (MANE Select); coding-DNA position 3102, T replaced by G.
Protein change: p.Tyr1034Ter; replaces tyrosine 1034 with a stop codon.
Molecular consequence: nonsense.
Genome position (GRCh38, 1-based): chr11:108,272,556, T>G. VCF-style: chr11-108272556-T-G. GRCh37 (hg19) VCF-style: chr11-108143283-T-G.
Other names: NM_000051.4(ATM):c.3102T>G; p.Tyr1034Ter; c.3102T>G, p.Tyr1034Ter (NM_001351834.2); short protein forms Y1034*.
Identifiers: ClinVar variation 556315 (VCV000556315.12), dbSNP rs780240314, ClinGen allele CA382515111.